The following is an entry in ClinVar:

ClinVar aggregate classification (germline): Uncertain significance (1 of 4 stars; one submission).

Submission:

Labcorp Genetics (formerly Invitae), Labcorp
Classification: Uncertain significance. Last evaluated: 2022-12-17. Review status: criteria provided, single submitter. Criteria: Invitae Variant Classification Sherloc (09022015). Collection method: clinical testing. Allele origin: germline.
Comment: This sequence change replaces aspartic acid, which is acidic and polar, with glutamic acid, which is acidic and polar, at codon 392 of the MATN3 protein (p.Asp392Glu). In summary, the available evidence is currently insufficient to determine the role of this variant in disease. Therefore, it has been classified as a Variant of Uncertain Significance. Advanced modeling of protein sequence and biophysical properties (such as structural, functional, and spatial information, amino acid conservation, physicochemical variation, residue mobility, and thermodynamic stability) performed at Invitae indicates that this missense variant is not expected to disrupt MATN3 protein function. This variant has not been reported in the literature in individuals affected with MATN3-related conditions. This variant is not present in population databases (gnomAD no frequency).

NM_002381.5(MATN3):c.1176C>G (p.Asp392Glu)

Genes: MATN3 (matrilin 3; minus strand), WDR35-DT (WDR35 divergent transcript; plus strand). Cytogenetic location: 2p24.1.
Variant type: single nucleotide variant.
Coding change: c.1176C>G on transcript NM_002381.5 (MANE Select); coding-DNA position 1176, C replaced by G.
Protein change: p.Asp392Glu; replaces aspartic acid 392 with glutamic acid.
Molecular consequence: missense variant.
Genome position (GRCh38, 1-based): chr2:19,997,252, G>C on the plus strand (C>G on the coding strand, the complement: MATN3 is on the minus strand). VCF-style: chr2-19997252-G-C. GRCh37 (hg19) VCF-style: chr2-20197013-G-C.
Other names: short protein forms D392E.
Identifiers: ClinVar variation 2821790 (VCV002821790.3), dbSNP rs2527687466, ClinGen allele CA345949429.